The following is an entry in ClinVar:

NM_014908.4(DOLK):c.1402G>A (p.Gly468Arg)

Gene: DOLK (dolichol kinase; minus strand). Cytogenetic location: 9q34.11.
Variant type: single nucleotide variant.
Coding change: c.1402G>A on transcript NM_014908.4 (MANE Select); coding-DNA position 1402, G replaced by A.
Protein change: p.Gly468Arg; replaces glycine 468 with arginine.
Molecular consequence: missense variant.
Genome position (GRCh38, 1-based): chr9:128,945,902, C>T on the plus strand (G>A on the coding strand, the complement: DOLK is on the minus strand). VCF-style: chr9-128945902-C-T. GRCh37 (hg19) VCF-style: chr9-131708181-C-T.
Other names: c.1402G>A (NM_014908.3); short protein forms G468R.
Identifiers: ClinVar variation 1023995 (VCV001023995.7), dbSNP rs750308538, ClinGen allele CA5271572.
Genomic context (GRCh38, chr9:128,945,902, plus strand): 5'-CTACAGAAATGATCTGCGCAAATATAGATGTCATGGTCCCCTCAAAAGTCTTTTTGGTTC[C>T]AGGCCAGCGGATCTCCCCCATGGTGCTACCGAAGATGGAGGCCACAGTATCACCCACACC-3'
Protein context (NP_055723.1, residues 458-478): GSTMGEIRWP[Gly468Arg]TKKTFEGTMT

ClinVar aggregate classification (germline): Uncertain significance. Review status: criteria provided, multiple submitters, no conflicts (2 of 4 stars). 2 submissions from 2 submitters: Uncertain significance (2). Last evaluated 2025-09-05.

Conditions:
Cardiovascular phenotype. Identifiers: MedGen CN230736.
DK1-congenital disorder of glycosylation. Also called: DOLK-congenital disorder of glycosylation; Carbohydrate deficient glycoprotein syndrome type 1m; CONGENITAL DISORDER OF GLYCOSYLATION, TYPE Im; CDG Im; DK1 DEFICIENCY; DOLICHOL KINASE DEFICIENCY. Identifiers: Orphanet 91131, MedGen C1835849, MONDO:0012556, OMIM 610768.

Allele frequency attached by ClinVar (database versions not stated): gnomAD exomes below 0.00001; TOPMed below 0.00001; ExAC 0.00001.

Submissions (2):

Ambry Genetics
Classification: Uncertain significance for Cardiovascular phenotype. Last evaluated: 2025-09-05. Review status: criteria provided, single submitter. Criteria: Ambry Variant Classification Scheme 2023. Collection method: clinical testing. Allele origin: germline.
Comment: The p.G468R variant (also known as c.1402G>A), located in coding exon 1 of the DOLK gene, results from a G to A substitution at nucleotide position 1402. The glycine at codon 468 is replaced by arginine, an amino acid with dissimilar properties. This amino acid position is highly conserved in available vertebrate species. In addition, this alteration is predicted to be deleterious by in silico analysis. Based on the available evidence, the clinical significance of this variant remains unclear.

Labcorp Genetics (formerly Invitae), Labcorp
Classification: Uncertain significance for DK1-congenital disorder of glycosylation. Last evaluated: 2022-03-02. Review status: criteria provided, single submitter. Criteria: Invitae Variant Classification Sherloc (09022015). Collection method: clinical testing. Allele origin: germline.
Comment: This sequence change replaces glycine, which is neutral and non-polar, with arginine, which is basic and polar, at codon 468 of the DOLK protein (p.Gly468Arg). This variant is present in population databases (rs750308538, gnomAD 0.0009%). This variant has not been reported in the literature in individuals affected with DOLK-related conditions. ClinVar contains an entry for this variant (Variation ID: 1023995). Algorithms developed to predict the effect of missense changes on protein structure and function are either unavailable or do not agree on the potential impact of this missense change (SIFT: "Tolerated"; PolyPhen-2: "Probably Damaging"; Align-GVGD: "Class C0"). In summary, the available evidence is currently insufficient to determine the role of this variant in disease. Therefore, it has been classified as a Variant of Uncertain Significance.